The following is an entry in ClinVar:

ClinVar aggregate classification (germline): Uncertain significance (1 of 4 stars; one submission).

gnomAD v4.1: 1 of 1,614,090 alleles (0.000062%); highest among the groups gnomAD compares: East Asian, 0.0022%; no homozygotes.

Submission:

Labcorp Genetics (formerly Invitae), Labcorp
Classification: Uncertain significance. Last evaluated: 2024-10-26. Review status: criteria provided, single submitter. Criteria: Invitae Variant Classification Sherloc (09022015). Collection method: clinical testing. Allele origin: germline.
Comment: This sequence change replaces valine, which is neutral and non-polar, with phenylalanine, which is neutral and non-polar, at codon 2230 of the KMT2A protein (p.Val2230Phe). This variant is not present in population databases (gnomAD no frequency). This variant has not been reported in the literature in individuals affected with KMT2A-related conditions. Invitae Evidence Modeling of protein sequence and biophysical properties (such as structural, functional, and spatial information, amino acid conservation, physicochemical variation, residue mobility, and thermodynamic stability) indicates that this missense variant is not expected to disrupt KMT2A protein function with a negative predictive value of 95%. In summary, the available evidence is currently insufficient to determine the role of this variant in disease. Therefore, it has been classified as a Variant of Uncertain Significance.

NM_001197104.2(KMT2A):c.6688G>T (p.Val2230Phe)

Gene: KMT2A (lysine methyltransferase 2A; plus strand). Cytogenetic location: 11q23.3.
Variant type: single nucleotide variant.
Coding change: c.6688G>T on transcript NM_001197104.2 (MANE Select); coding-DNA position 6688, G replaced by T.
Protein change: p.Val2230Phe; replaces valine 2230 with phenylalanine.
Molecular consequence: missense variant.
Genome position (GRCh38, 1-based): chr11:118,502,580, G>T. VCF-style: chr11-118502580-G-T. GRCh37 (hg19) VCF-style: chr11-118373295-G-T.
Other names: c.6778G>T, p.Val2260Phe (NM_001412597.1); c.6679G>T, p.Val2227Phe (NM_005933.4); short protein forms V2230F, V2260F, V2227F.
Identifiers: ClinVar variation 2856403 (VCV002856403.3), dbSNP rs1555046094, ClinGen allele CA382802689.